The following is an entry in ClinVar:

NM_004472.3(FOXD1):c.1005C>T (p.Gly335=)

Gene: FOXD1 (forkhead box D1; minus strand). Cytogenetic location: 5q13.2.
Variant type: single nucleotide variant.
Coding change: c.1005C>T on transcript NM_004472.3 (MANE Select); coding-DNA position 1005, C replaced by T.
Protein change: p.Gly335=; no amino-acid change (glycine 335 retained).
Molecular consequence: synonymous variant.
Genome position (GRCh38, 1-based): chr5:73,447,358, G>A on the plus strand (C>T on the coding strand, the complement: FOXD1 is on the minus strand). VCF-style: chr5-73447358-G-A. GRCh37 (hg19) VCF-style: chr5-72743185-G-A.
Identifiers: ClinVar variation 2602786 (VCV002602786.3), dbSNP rs2478673855, ClinGen allele CA445095642.

ClinVar aggregate classification (germline): Likely benign. Review status: criteria provided, multiple submitters, no conflicts (2 of 4 stars). 2 submissions from 2 submitters: Likely benign (2). Last evaluated 2023-07-19.

Conditions:
FOXD1-related disorder. Also called: FOXD1-related condition.

Allele frequency attached by ClinVar (database versions not stated): gnomAD exomes below 0.00001.

Submissions (2):

Ambry Genetics
Classification: Likely benign. Last evaluated: 2023-07-19. Review status: criteria provided, single submitter. Criteria: Ambry Variant Classification Scheme 2023. Collection method: clinical testing. Allele origin: germline.

PreventionGenetics, part of Exact Sciences
Classification: Likely benign for FOXD1-related condition. Last evaluated: 2022-04-28. Review status: criteria provided, single submitter. Criteria: ACMG Guidelines, 2015. Collection method: clinical testing. Allele origin: germline.
Comment: This variant is classified as likely benign based on ACMG/AMP sequence variant interpretation guidelines (Richards et al. 2015 PMID: 25741868, with internal and published modifications).